The following is an entry in ClinVar:

ClinVar aggregate classification (germline): Uncertain significance (1 of 4 stars; one submission).

Conditions:
Cardiovascular phenotype. Identifiers: MedGen CN230736.

Submission:

Ambry Genetics
Classification: Uncertain significance for Cardiovascular phenotype. Last evaluated: 2026-09-11. Review status: criteria provided, single submitter. Criteria: Ambry Variant Classification Scheme 2023. Collection method: clinical testing. Allele origin: germline.
Comment: The p.A860P variant (also known as c.2578G>C), located in coding exon 25 of the MYBPC3 gene, results from a G to C substitution at nucleotide position 2578. The alanine at codon 860 is replaced by proline, an amino acid with highly similar properties. This amino acid position is conserved. In addition, this alteration is predicted to be tolerated by in silico analysis. Based on the available evidence, the clinical significance of this variant remains unclear.

NM_000256.3(MYBPC3):c.2578G>C (p.Ala860Pro)

Gene: MYBPC3 (myosin binding protein C3; minus strand). Cytogenetic location: 11p11.2.
Variant type: single nucleotide variant.
Coding change: c.2578G>C on transcript NM_000256.3 (MANE Select); coding-DNA position 2578, G replaced by C.
Protein change: p.Ala860Pro; replaces alanine 860 with proline.
Molecular consequence: missense variant.
Genome position (GRCh38, 1-based): chr11:47,337,415, C>G on the plus strand (G>C on the coding strand, the complement: MYBPC3 is on the minus strand). VCF-style: chr11-47337415-C-G. GRCh37 (hg19) VCF-style: chr11-47358966-C-G.
Other names: short protein forms A860P.
Identifiers: ClinVar variation 3876149 (VCV003876149.2).